The following is an entry in ClinVar:

ClinVar aggregate classification (germline): Likely pathogenic (1 of 4 stars; one submission).

Conditions:
Dilated cardiomyopathy 1G (CMD1G). Identifiers: Orphanet 154, MedGen C1858763, MONDO:0011400, OMIM 604145.
Autosomal recessive limb-girdle muscular dystrophy type 2J (LGMDR10). Also called: Limb-girdle muscular dystrophy, type 2J; MUSCULAR DYSTROPHY, LIMB-GIRDLE, AUTOSOMAL RECESSIVE 10. Identifiers: Orphanet 140922, MedGen C1837342, MONDO:0012127, OMIM 608807.

Submission:

Labcorp Genetics (formerly Invitae), Labcorp
Classification: Likely pathogenic for Dilated cardiomyopathy 1G; Autosomal recessive limb-girdle muscular dystrophy type 2J. Last evaluated: 2024-08-17. Review status: criteria provided, single submitter. Criteria: Invitae Variant Classification Sherloc (09022015). Collection method: clinical testing. Allele origin: germline.
Comment: This sequence change creates a premature translational stop signal (p.Gln2408Ilefs*7) in the TTN gene. While this is not anticipated to result in nonsense mediated decay, it is expected to create a truncated TTN protein. This variant is not present in population databases (gnomAD no frequency). This variant has not been reported in the literature in individuals affected with TTN-related conditions. This variant is located in the I band of TTN (PMID: 25589632). Truncating variants in this region have been reported in individuals affected with autosomal recessive centronuclear myopathy (PMID: 23975875, Invitae internal data). Truncating variants in this region have also been identified in individuals affected with autosomal dominant dilated cardiomyopathy and/or cardio-related conditions (PMID: 27869827, 32964742, Invitae internal data). In summary, the currently available evidence indicates that the variant is pathogenic, but additional data are needed to prove that conclusively. Therefore, this variant has been classified as Likely Pathogenic.

Literature cited by the submitters: PubMed 25589632; PubMed 23975875; PubMed 27869827; PubMed 32964742.

NM_001267550.2(TTN):c.7222_7223del (p.Gln2408fs)

Genes: TTN (titin; minus strand), LOC126806433 (BRD4-independent group 4 enhancer GRCh37_chr2:179638309-179639508; plus strand). Cytogenetic location: 2q31.2.
Variant type: Deletion.
Coding change: c.7222_7223del on transcript NM_001267550.2 (MANE Select); coding-DNA positions 7222 to 7223, 2 bases deleted (CA; older notation c.7222_7223delCA).
Protein change: p.Gln2408fs; shifts the reading frame from glutamine 2408.
Molecular consequence: frameshift variant.
Genome position (GRCh38, 1-based): chr2:178,773,945-178,773,946, TG deleted on the plus strand (CA on the coding strand, the reverse complement: TTN is on the minus strand); deleting any 2 consecutive bases within chr2:178,773,945-178,773,947 gives the same sequence; the c. name uses the placement nearest the transcript's 3' end. VCF-style (leftmost placement, unchanged base first): chr2-178773944-TTG-T. GRCh37 (hg19) VCF-style: chr2-179638671-TTG-T.
Other names: c.7084_7085del, p.Gln2362fs (NM_003319.4, NM_133432.3, NM_133437.4); c.7222_7223del, p.Gln2408fs (NM_133378.4, NM_133379.5, NM_001256850.1); short protein forms Q2362fs, Q2408fs.
Identifiers: ClinVar variation 3757628 (VCV003757628.2), dbSNP rs794729370.